The following is an entry in ClinVar:

ClinVar aggregate classification (germline): Uncertain significance (1 of 4 stars; one submission).

Conditions:
Noonan syndrome 9 (NS9). Identifiers: Orphanet 648, MedGen C4225282, MONDO:0014691, OMIM 616559.

gnomAD v4.1: 1 of 1,447,844 alleles (0.000069%); no homozygotes.

Submission:

Labcorp Genetics (formerly Invitae), Labcorp
Classification: Uncertain significance for Noonan syndrome 9. Last evaluated: 2025-03-01. Review status: criteria provided, single submitter. Criteria: Invitae Variant Classification Sherloc (09022015). Collection method: clinical testing. Allele origin: germline.
Comment: This sequence change falls in intron 21 of the SOS2 gene. It does not directly change the encoded amino acid sequence of the SOS2 protein. It affects a nucleotide within the consensus splice site. This variant is present in population databases (no rsID available, gnomAD 0.0009%). This variant has not been reported in the literature in individuals affected with SOS2-related conditions. Variants that disrupt the consensus splice site are a relatively common cause of aberrant splicing (PMID: 17576681, 9536098). Algorithms developed to predict the effect of sequence changes on RNA splicing suggest that this variant is not likely to affect RNA splicing. In summary, the available evidence is currently insufficient to determine the role of this variant in disease. Therefore, it has been classified as a Variant of Uncertain Significance.

Literature cited by the submitters: PubMed 17576681; PubMed 9536098.

NM_006939.4(SOS2):c.3380-3C>T

Gene: SOS2 (SOS Ras/Rho guanine nucleotide exchange factor 2; minus strand). Cytogenetic location: 14q21.3.
Variant type: single nucleotide variant.
Coding change: c.3380-3C>T on transcript NM_006939.4 (MANE Select); 3 bases into the intron before coding-DNA position 3380, C replaced by T.
Molecular consequence: intron variant.
Genome position (GRCh38, 1-based): chr14:50,120,387, G>A on the plus strand (C>T on the coding strand, the complement: SOS2 is on the minus strand). VCF-style: chr14-50120387-G-A. GRCh37 (hg19) VCF-style: chr14-50587105-G-A.
Other names: c.3281-3C>T (NM_001411020.1).
Identifiers: ClinVar variation 4747962 (VCV004747962.1).